The following is an entry in ClinVar:

ClinVar aggregate classification (germline): Uncertain significance (1 of 4 stars; one submission).

Conditions:
Cardiovascular phenotype. Identifiers: MedGen CN230736.

gnomAD v4.1: 1 of 1,612,774 alleles (0.000062%); highest among the groups gnomAD compares: Non-Finnish European, 0.000085%; no homozygotes.

Submission:

Ambry Genetics
Classification: Uncertain significance for Cardiovascular phenotype. Last evaluated: 2020-11-19. Review status: criteria provided, single submitter. Criteria: Ambry Variant Classification Scheme 2023. Collection method: clinical testing. Allele origin: germline.
Comment: The p.R136G variant (also known as c.406C>G), located in coding exon 7 of the TNNI3 gene, results from a C to G substitution at nucleotide position 406. The arginine at codon 136 is replaced by glycine, an amino acid with dissimilar properties. Another alteration at the same codon, p.R136Q (c.407G>A), has been detected in multiple individuals with hypertrophic cardiomyopathy (Millat G et al. Eur J Med Genet 2010 Jul;53:261-7; Coto E et al. J Mol Diagn, 2012 Sep;14:518-24; Teirlinck CH et al. BMC Med. Genet., 2012 Nov;13:105; Kapplinger JD et al. J Cardiovasc Transl Res, 2014 Apr;7:347-61; Walsh R et al. Genet. Med., 2017 Feb;19:192-203). This amino acid position is well conserved in available vertebrate species. In addition, this alteration is predicted to be deleterious by in silico analysis. Since supporting evidence is limited at this time, the clinical significance of this alteration remains unclear.

NM_000363.5(TNNI3):c.406C>G (p.Arg136Gly)

Gene: TNNI3 (troponin I3, cardiac type; minus strand). Cytogenetic location: 19q13.42.
Variant type: single nucleotide variant.
Coding change: c.406C>G on transcript NM_000363.5 (MANE Select); coding-DNA position 406, C replaced by G.
Protein change: p.Arg136Gly; replaces arginine 136 with glycine.
Molecular consequence: missense variant.
Genome position (GRCh38, 1-based): chr19:55,154,173, G>C on the plus strand (C>G on the coding strand, the complement: TNNI3 is on the minus strand). VCF-style: chr19-55154173-G-C. GRCh37 (hg19) VCF-style: chr19-55665541-G-C.
Other names: short protein forms R136G.
Identifiers: ClinVar variation 1737530 (VCV001737530.2), dbSNP rs1393946566, ClinGen allele CA407440680.